The following is an entry in ClinVar:

ClinVar aggregate classification (germline): Uncertain significance (1 of 4 stars; one submission).

gnomAD v4.1: 44 of 1,614,182 alleles (0.0027%); highest among the groups gnomAD compares: African/African-American, 0.025%; no homozygotes.

Submission:

GeneDx
Classification: Uncertain significance. Last evaluated: 2026-03-22. Review status: criteria provided, single submitter. Criteria: GeneDx Variant Classification Process June 2021. Collection method: clinical testing. Allele origin: germline.
Comment: Reported as a heterozygous variant in the published literature in an individual with reported clinical features that are only partially consistent with the features typically observed in individuals with pathogenic variants in this gene (PMID: 28444304); In silico analysis suggests that this missense variant does not alter protein structure/function; This variant is associated with the following publications: (PMID: 28444304)

NM_003235.5(TG):c.2393C>T (p.Thr798Met)

Gene: TG (thyroglobulin; plus strand). Cytogenetic location: 8q24.22.
Variant type: single nucleotide variant.
Coding change: c.2393C>T on transcript NM_003235.5 (MANE Select); coding-DNA position 2393, C replaced by T.
Protein change: p.Thr798Met; replaces threonine 798 with methionine.
Molecular consequence: missense variant.
Genome position (GRCh38, 1-based): chr8:132,888,200, C>T. VCF-style: chr8-132888200-C-T. GRCh37 (hg19) VCF-style: chr8-133900445-C-T.
Other names: short protein forms T798M.
Identifiers: ClinVar variation 5018465 (VCV005018465.1).